The following is an entry in ClinVar:

ClinVar aggregate classification (germline): Uncertain significance (1 of 4 stars; one submission).

Conditions:
3-methylglutaconic aciduria, type VIIB (MGCA7B). Also called: CLPB Deficiency; 3-methylglutaconic aciduria with cataracts, neurologic involvement and neutropenia; 3-methylglutaconic aciduria, type VII, with cataracts, neurologic involvement and neutropenia. Identifiers: Orphanet 445038, MedGen C5676893, MONDO:0014561, OMIM 616271.

Allele frequency attached by ClinVar (database versions not stated): TOPMed below 0.00001; gnomAD 0.00001.
gnomAD v4.1: 2 of 1,613,468 alleles (0.00012%); highest among the groups gnomAD compares: African/African-American, 0.0013%; no homozygotes.

Submission:

Labcorp Genetics (formerly Invitae), Labcorp
Classification: Uncertain significance for 3-methylglutaconic aciduria, type VIIB. Last evaluated: 2025-08-18. Review status: criteria provided, single submitter. Criteria: Invitae Variant Classification Sherloc (09022015). Collection method: clinical testing. Allele origin: germline.
Comment: This sequence change replaces leucine, which is neutral and non-polar, with phenylalanine, which is neutral and non-polar, at codon 91 of the CLPB protein (p.Leu91Phe). This variant is not present in population databases (gnomAD no frequency). This variant has not been reported in the literature in individuals affected with CLPB-related conditions. ClinVar contains an entry for this variant (Variation ID: 2852121). An algorithm developed to predict the effect of missense changes on protein structure and function (PolyPhen-2) suggests that this variant is likely to be tolerated. In summary, the available evidence is currently insufficient to determine the role of this variant in disease. Therefore, it has been classified as a Variant of Uncertain Significance.

NM_001258392.3(CLPB):c.271C>T (p.Leu91Phe)

Genes: CLPB (ClpB family mitochondrial disaggregase; minus strand), LOC130006336 (ATAC-STARR-seq lymphoblastoid active region 5191; plus strand). Cytogenetic location: 11q13.4.
Variant type: single nucleotide variant.
Coding change: c.271C>T on transcript NM_001258392.3 (MANE Select); coding-DNA position 271, C replaced by T.
Protein change: p.Leu91Phe; replaces leucine 91 with phenylalanine.
Molecular consequence: missense variant.
Genome position (GRCh38, 1-based): chr11:72,434,204, G>A on the plus strand (C>T on the coding strand, the complement: CLPB is on the minus strand). VCF-style: chr11-72434204-G-A. GRCh37 (hg19) VCF-style: chr11-72145248-G-A.
Other names: c.271C>T, p.Leu91Phe (NM_001258393.3, NM_030813.6); c.29C>T, p.Pro10Leu (NM_001258394.3); short protein forms L91F, P10L.
Identifiers: ClinVar variation 2852121 (VCV002852121.3), dbSNP rs1334666559, ClinGen allele CA381963106.